The following is an entry in ClinVar:

ClinVar aggregate classification (germline): Pathogenic (0 of 4 stars; one submission).

Submission:

GenMed Metabolism Lab
Classification: Pathogenic. Review status: no assertion criteria provided. Collection method: not provided. Allele origin: unknown.
Comment: p.His168Pro, Late
ClinVar note: Converted during submission from pathogenic to Pathogenic.

NM_000531.6(OTC):c.503A>C (p.His168Pro)

Gene: OTC (ornithine transcarbamylase; plus strand). Cytogenetic location: Xp11.4.
Variant type: single nucleotide variant.
Coding change: c.503A>C on transcript NM_000531.6 (MANE Select); coding-DNA position 503, A replaced by C.
Protein change: p.His168Pro; replaces histidine 168 with proline.
Molecular consequence: missense variant.
Genome position (GRCh38, 1-based): chrX:38,401,391, A>C. VCF-style: chrX-38401391-A-C. GRCh37 (hg19) VCF-style: chrX-38260644-A-C.
Other names: short protein forms H168P.
Identifiers: ClinVar variation 97224 (VCV000097224.2), dbSNP rs66867430, ClinGen allele CA224649.